The following is an entry in ClinVar:

ClinVar aggregate classification (germline): Likely pathogenic (1 of 4 stars; one submission).

Conditions:
Brain small vessel disease 1 with or without ocular anomalies (BSVD1). Also called: BRAIN SMALL VESSEL DISEASE WITH HEMORRHAGE; Brain small vessel disease with or without ocular anomalies; PORENCEPHALY, TYPE 1, AUTOSOMAL DOMINANT; GOULD SYNDROME 1. Identifiers: Orphanet 2940, Orphanet 36383, Orphanet 99810, MedGen C4755307, MONDO:0008289, OMIM 175780.

Submission:

Broad Center for Mendelian Genomics, Broad Institute of MIT and Harvard
Classification: Likely pathogenic for Brain small vessel disease 1 with or without ocular anomalies. Last evaluated: 2022-05-04. Review status: criteria provided, single submitter. Criteria: ACMG Guidelines, 2015. Collection method: curation. Allele origin: germline. Inheritance: Autosomal dominant inheritance.
Comment: Trio exome analysis showed this variant to be de novo. The variant has not been previously reported in individuals with porencephaly 1 and was absent from large population studies. Computational prediction tools and conservation analyses suggest that this variant may impact the protein, though this information is not predictive enough to determine pathogenicity. In summary, although additional studies are required to fully establish its clinical significance, this variant is likely pathogenic. ACMG/AMP Criteria applied: PS2, PM2, PP3 (Richards 2015).

NM_001845.6(COL4A1):c.2888G>A (p.Gly963Asp)

Gene: COL4A1 (collagen type IV alpha 1 chain; minus strand). Cytogenetic location: 13q34.
Variant type: single nucleotide variant.
Coding change: c.2888G>A on transcript NM_001845.6 (MANE Select); coding-DNA position 2888, G replaced by A.
Protein change: p.Gly963Asp; replaces glycine 963 with aspartic acid.
Molecular consequence: missense variant.
Genome position (GRCh38, 1-based): chr13:110,176,706, C>T on the plus strand (G>A on the coding strand, the complement: COL4A1 is on the minus strand). VCF-style: chr13-110176706-C-T. GRCh37 (hg19) VCF-style: chr13-110829053-C-T.
Other names: NM_001845.6:c.2888G>A; short protein forms G963D.
Identifiers: ClinVar variation 1679855 (VCV001679855.3), dbSNP rs2139162750, ClinGen allele CA388666431.